The following is an entry in ClinVar:

GRCh37/hg19 17q12(chr17:34842442-36065085)x3

Genes: AATF (apoptosis antagonizing transcription factor; plus strand), ACACA (acetyl-CoA carboxylase alpha; minus strand), C17orf78 (chromosome 17 open reading frame 78; plus strand), DDX52 (DExD-box helicase 52; minus strand), DHRS11 (dehydrogenase/reductase 11; plus strand) and 10 more. Cytogenetic location: 17q12.
Variant type: copy number gain.
Change: copy number 3 (three copies instead of two) of chr17:34,842,442-36,065,085 (1.22 Mb, GRCh37 coordinates, 1-based), cytogenetic band 17q12.
Identifiers: ClinVar variation 3338433 (VCV003338433.1).

ClinVar aggregate classification (germline): Likely pathogenic (0 of 4 stars; one submission).

Conditions:
Hyperphosphatasia with intellectual disability syndrome 5 (GPIBD11). Also called: GLYCOSYLPHOSPHATIDYLINOSITOL BIOSYNTHESIS DEFECT 11. Identifiers: Orphanet 247262, MedGen C4014958, MONDO:0014457, OMIM 616025.

Submission:

Solve-RD Consortium
Classification: Likely pathogenic for Hyperphosphatasia with intellectual disability syndrome 5. Last evaluated: 2024-06-01. Review status: no assertion criteria provided. Collection method: provider interpretation. Allele origin: germline. Affected: yes.
Comment: This CNV was confirmed by the submitting clinician to impact a gene that corresponds with the phenotype of the affected individual, and thus deemed to be causative for their condition.

Literature cited by the submitters: PubMed 39825153.